The following is an entry in ClinVar:

NM_001376571.1(MADD):c.3358A>G (p.Ile1120Val)

Gene: MADD (MAP kinase activating death domain; plus strand). Cytogenetic location: 11p11.2.
Variant type: single nucleotide variant.
Coding change: c.3358A>G on transcript NM_001376571.1 (MANE Select); coding-DNA position 3358, A replaced by G.
Protein change: p.Ile1120Val; replaces isoleucine 1120 with valine.
Molecular consequence: missense variant. On other transcripts: non-coding transcript variant (8).
Genome position (GRCh38, 1-based): chr11:47,290,813, A>G. VCF-style: chr11-47290813-A-G. GRCh37 (hg19) VCF-style: chr11-47312364-A-G.
Other names: c.3169A>G, p.Ile1057Val (NM_001135943.2, NM_001135944.2, NM_001376585.1 and 21 more transcripts); c.3358A>G, p.Ile1120Val (NM_001376572.1, NM_001376573.1, NM_001376574.1 and 11 more transcripts); c.3298A>G, p.Ile1100Val (NM_001376575.1, NM_001376576.1, NM_001376577.1 and 12 more transcripts); c.3271A>G, p.Ile1091Val (NM_001376578.1, NM_001376631.1); c.3229A>G, p.Ile1077Val (NM_001376581.1, NM_001376582.1, NM_001376586.1 and 14 more transcripts); c.3196A>G, p.Ile1066Val (NM_001376583.1, NM_001376611.1, NM_001376613.1 and 1 more transcripts); c.3376A>G, p.Ile1126Val (NM_001376596.1); c.3205A>G, p.Ile1069Val (NM_001376602.1); and 9 more; short protein forms I1032V, I1066V, I1077V, I1100V, I1120V, I910V, I1048V, I1057V.
Identifiers: ClinVar variation 2236682 (VCV002236682.2), dbSNP rs199785975, ClinGen allele CA5974734.

ClinVar aggregate classification (germline): Uncertain significance (1 of 4 stars; one submission).

Conditions:
Inborn genetic diseases. Identifiers: MedGen C0950123, MeSH D030342.

Allele frequency attached by ClinVar (database versions not stated): ESP Exome Variant Server 0.00015.
gnomAD v4.1: 294 of 1,609,656 alleles (0.018%); highest among the groups gnomAD compares: Admixed American, 0.037%; no homozygotes.

Submission:

Ambry Genetics
Classification: Uncertain significance for Inborn genetic diseases. Last evaluated: 2021-03-24. Review status: criteria provided, single submitter. Criteria: Ambry Variant Classification Scheme 2023. Collection method: clinical testing. Allele origin: germline.
Comment: The c.3358A>G (p.I1120V) alteration is located in exon 20 (coding exon 19) of the MADD gene. This alteration results from a A to G substitution at nucleotide position 3358, causing the isoleucine (I) at amino acid position 1120 to be replaced by a valine (V). The p.I1120V alteration is predicted to be tolerated by in silico analysis. Based on insufficient or conflicting evidence, the clinical significance of this alteration remains unclear.